The following is an entry in ClinVar:

NM_015030.2(FRYL):c.1775T>C (p.Leu592Pro)

Gene: FRYL (FRY like transcription coactivator; minus strand). Cytogenetic location: 4p11.
Variant type: single nucleotide variant.
Coding change: c.1775T>C on transcript NM_015030.2 (MANE Select); coding-DNA position 1775, T replaced by C.
Protein change: p.Leu592Pro; replaces leucine 592 with proline.
Molecular consequence: missense variant.
Genome position (GRCh38, 1-based): chr4:48,582,708, A>G on the plus strand (T>C on the coding strand, the complement: FRYL is on the minus strand). VCF-style: chr4-48582708-A-G. GRCh37 (hg19) VCF-style: chr4-48584725-A-G.
Other names: short protein forms L592P.
Identifiers: ClinVar variation 4795705 (VCV004795705.1).

ClinVar aggregate classification (germline): Uncertain significance (1 of 4 stars; one submission).

Submission:

GeneDx
Classification: Uncertain significance. Last evaluated: 2025-08-11. Review status: criteria provided, single submitter. Criteria: GeneDx Variant Classification Process June 2021. Collection method: clinical testing. Allele origin: germline. Affected: yes.
Comment: Not observed at significant frequency in large population cohorts (gnomAD); In silico analysis supports that this missense variant has a deleterious effect on protein structure/function; Has not been previously published as pathogenic or benign to our knowledge